The following is an entry in ClinVar:

ClinVar aggregate classification (germline): Pathogenic (1 of 4 stars; one submission).

Conditions:
CHD7-related disorder. Also called: CHD7-related condition.

Submission:

Greenwood Genetic Center Diagnostic Laboratories, Greenwood Genetic Center
Classification: Pathogenic for CHD7-related disorder. Last evaluated: 2024-01-11. Review status: criteria provided, single submitter. Criteria: ACMG Guidelines, 2015. Collection method: clinical testing. Allele origin: germline. Affected: yes.
Comment: PVS1, PS4_Supporting, PM2

NM_017780.4(CHD7):c.7343C>G (p.Ser2448Ter)

Gene: CHD7 (chromodomain helicase DNA binding protein 7; plus strand). Cytogenetic location: 8q12.2.
Variant type: single nucleotide variant.
Coding change: c.7343C>G on transcript NM_017780.4 (MANE Select); coding-DNA position 7343, C replaced by G.
Protein change: p.Ser2448Ter; replaces serine 2448 with a stop codon.
Molecular consequence: nonsense. On other transcripts: intron variant (1).
Genome position (GRCh38, 1-based): chr8:60,856,623, C>G. VCF-style: chr8-60856623-C-G. GRCh37 (hg19) VCF-style: chr8-61769182-C-G.
Other names: c.1717-5606C>G (NM_001316690.1); short protein forms S2448*.
Identifiers: ClinVar variation 3235833 (VCV003235833.1), dbSNP rs2488074863, ClinGen allele CA371301051.